The following is an entry in ClinVar:

NM_003073.5(SMARCB1):c.366A>T (p.Glu122Asp)

Gene: SMARCB1 (SWI/SNF related BAF chromatin remodeling complex subunit B1; plus strand). Cytogenetic location: 22q11.23.
Variant type: single nucleotide variant.
Coding change: c.366A>T on transcript NM_003073.5 (MANE Select); coding-DNA position 366, A replaced by T.
Protein change: p.Glu122Asp; replaces glutamic acid 122 with aspartic acid.
Molecular consequence: missense variant.
Genome position (GRCh38, 1-based): chr22:23,800,947, A>T. VCF-style: chr22-23800947-A-T. GRCh37 (hg19) VCF-style: chr22-24143134-A-T.
Other names: c.366A>T (LRG_520t1); c.339A>T, p.Glu113Asp (NM_001007468.3, NM_001317946.2); c.366A>T, p.Glu122Asp (NM_001362877.2); short protein forms E122D, E113D.
Identifiers: ClinVar variation 410705 (VCV000410705.15), dbSNP rs1060503018, ClinGen allele CA16616560.

ClinVar aggregate classification (germline): Conflicting classifications of pathogenicity. Review status: criteria provided, conflicting classifications (1 of 4 stars). 3 submissions from 3 submitters: Uncertain significance (2); Likely benign (1). Last evaluated 2025-10-14.

Conditions:
Hereditary cancer-predisposing syndrome. Also called: Tumor predisposition; Hereditary Cancer Syndrome; Hereditary neoplastic syndrome; Neoplastic Syndromes, Hereditary. Identifiers: Orphanet 140162, MedGen C0027672, MeSH D009386, MONDO:0015356.

Allele frequency attached by ClinVar (database versions not stated): gnomAD exomes below 0.00001; gnomAD 0.00001.
gnomAD v4.1: 7 of 1,612,666 alleles (0.00043%); highest among the groups gnomAD compares: Admixed American, 0.0017%; no homozygotes.

Submissions (3):

Labcorp Genetics (formerly Invitae), Labcorp
Classification: Uncertain significance. Last evaluated: 2025-10-14. Review status: criteria provided, single submitter. Criteria: Invitae Variant Classification Sherloc (09022015). Collection method: clinical testing. Allele origin: germline.
Comment: This sequence change replaces glutamic acid, which is acidic and polar, with aspartic acid, which is acidic and polar, at codon 122 of the SMARCB1 protein (p.Glu122Asp). This variant is present in population databases (no rsID available, gnomAD 0.003%). This missense change has been observed in individual(s) with a neurodevelopmental disorder (PMID: 37500730). ClinVar contains an entry for this variant (Variation ID: 410705). Invitae Evidence Modeling of protein sequence and biophysical properties (such as structural, functional, and spatial information, amino acid conservation, physicochemical variation, residue mobility, and thermodynamic stability) indicates that this missense variant is not expected to disrupt SMARCB1 protein function with a negative predictive value of 80%. In summary, the available evidence is currently insufficient to determine the role of this variant in disease. Therefore, it has been classified as a Variant of Uncertain Significance.

Ambry Genetics
Classification: Likely benign for Hereditary cancer-predisposing syndrome. Last evaluated: 2025-07-28. Review status: criteria provided, single submitter. Criteria: Ambry Variant Classification Scheme 2023. Collection method: clinical testing. Allele origin: germline.

GeneDx
Classification: Uncertain significance. Last evaluated: 2023-11-26. Review status: criteria provided, single submitter. Criteria: GeneDx Variant Classification Process June 2021. Collection method: clinical testing. Allele origin: germline. Affected: yes.
Comment: Has not been previously published as pathogenic or benign to our knowledge; In silico analysis supports that this missense variant does not alter protein structure/function

Literature cited by the submitters: PubMed 37500730 (cited by Labcorp Genetics (formerly Invitae), Labcorp).